The following is an entry in ClinVar:

NM_001267550.2(TTN):c.72409T>C (p.Ser24137Pro)

Genes: TTN (titin; minus strand), TTN-AS1 (TTN antisense RNA 1; plus strand). Cytogenetic location: 2q31.2.
Variant type: single nucleotide variant.
Coding change: c.72409T>C on transcript NM_001267550.2 (MANE Select); coding-DNA position 72409, T replaced by C.
Protein change: p.Ser24137Pro; replaces serine 24137 with proline.
Molecular consequence: missense variant.
Genome position (GRCh38, 1-based): chr2:178,573,723, A>G on the plus strand (T>C on the coding strand, the complement: TTN is on the minus strand). VCF-style: chr2-178573723-A-G. GRCh37 (hg19) VCF-style: chr2-179438450-A-G.
Other names: c.67486T>C, p.Ser22496Pro (NM_001256850.1); c.45214T>C, p.Ser15072Pro (NM_003319.4); c.64705T>C, p.Ser21569Pro (NM_133378.4); c.45589T>C, p.Ser15197Pro (NM_133432.3); c.45790T>C, p.Ser15264Pro (NM_133437.4); short protein forms S15264P, S22496P, S24137P, S15072P, S15197P, S21569P.
Identifiers: ClinVar variation 1741215 (VCV001741215.2), dbSNP rs2468597400, ClinGen allele CA349647319.
Genomic context (GRCh38, chr2:178,573,723, plus strand): 5'-GATCAATTTTGGCACCTCCATCATCCAGTGGAGGGAACCATGATAGTACACACTTTTCTG[A>G]TGTCACTTCAGTTACAGCCAAAGGTCCTTCAGGTGGGCCTGGTCTGTCAAGAACTTTGAC-3'
Protein context (NP_001254479.2, residues 24127-24147): EGPLAVTEVT[Ser24137Pro]EKCVLSWFPP

ClinVar aggregate classification (germline): Uncertain significance (1 of 4 stars; one submission).

Conditions:
Cardiovascular phenotype. Identifiers: MedGen CN230736.

Allele frequency attached by ClinVar (database versions not stated): gnomAD exomes below 0.00001.
gnomAD v4.1: 2 of 1,550,810 alleles (0.00013%); highest among the groups gnomAD compares: Admixed American, 0.002%; no homozygotes.

Submission:

Ambry Genetics
Classification: Uncertain significance for Cardiovascular phenotype. Last evaluated: 2019-05-29. Review status: criteria provided, single submitter. Criteria: Ambry Variant Classification Scheme 2023. Collection method: clinical testing. Allele origin: germline.
Comment: The p.S15072P variant (also known as c.45214T>C), located in coding exon 153 of the TTN gene, results from a T to C substitution at nucleotide position 45214. The serine at codon 15072 is replaced by proline, an amino acid with similar properties. This amino acid position is not well conserved in available vertebrate species. In addition, this alteration is predicted to be tolerated by in silico analysis. Since supporting evidence is limited at this time, the clinical significance of this alteration remains unclear.